The following is an entry in ClinVar:

NM_001042492.3(NF1):c.1057C>G (p.Leu353Val)

Gene: NF1 (neurofibromin 1; plus strand). Cytogenetic location: 17q11.2.
Variant type: single nucleotide variant.
Coding change: c.1057C>G on transcript NM_001042492.3 (MANE Select); coding-DNA position 1057, C replaced by G.
Protein change: p.Leu353Val; replaces leucine 353 with valine.
Molecular consequence: missense variant.
Genome position (GRCh38, 1-based): chr17:31,200,590, C>G. VCF-style: chr17-31200590-C-G. GRCh37 (hg19) VCF-style: chr17-29527608-C-G.
Other names: c.1057C>G, p.Leu353Val (NM_000267.4, NM_001128147.3); short protein forms L353V.
Identifiers: ClinVar variation 849548 (VCV000849548.6), dbSNP rs2066510027, ClinGen allele CA398996535.

ClinVar aggregate classification (germline): Uncertain significance (1 of 4 stars; one submission).

Conditions:
Neurofibromatosis, type 1 (NF1). Also called: Neurofibromatosis, type I; VON RECKLINGHAUSEN DISEASE; Peripheral type neurofibromatosis; NEUROFIBROMATOSIS, TYPE I, SOMATIC. Identifiers: Orphanet 636, MedGen C0027831, MONDO:0018975, OMIM 162200. Disease mechanism: loss of function.

Allele frequency attached by ClinVar (database versions not stated): gnomAD exomes below 0.00001.
gnomAD v4.1: 2 of 1,613,946 alleles (0.00012%); highest among the groups gnomAD compares: Non-Finnish European, 0.00017%; no homozygotes.

Submission:

Labcorp Genetics (formerly Invitae), Labcorp
Classification: Uncertain significance for Neurofibromatosis, type 1. Last evaluated: 2023-08-24. Review status: criteria provided, single submitter. Criteria: Invitae Variant Classification Sherloc (09022015). Collection method: clinical testing. Allele origin: germline.
Comment: In summary, the available evidence is currently insufficient to determine the role of this variant in disease. Therefore, it has been classified as a Variant of Uncertain Significance. Advanced modeling of protein sequence and biophysical properties (such as structural, functional, and spatial information, amino acid conservation, physicochemical variation, residue mobility, and thermodynamic stability) performed at Invitae indicates that this missense variant is expected to disrupt NF1 protein function. This sequence change replaces leucine, which is neutral and non-polar, with valine, which is neutral and non-polar, at codon 353 of the NF1 protein (p.Leu353Val). This variant is not present in population databases (gnomAD no frequency). This variant has not been reported in the literature in individuals affected with NF1-related conditions. ClinVar contains an entry for this variant (Variation ID: 849548).